The following is an entry in ClinVar:

ClinVar aggregate classification (germline): Uncertain significance (1 of 4 stars; one submission).

gnomAD v4.1: 1 of 1,614,150 alleles (0.000062%); highest among the groups gnomAD compares: Non-Finnish European, 0.000085%; no homozygotes.

Submission:

GeneDx
Classification: Uncertain significance. Last evaluated: 2024-06-24. Review status: criteria provided, single submitter. Criteria: GeneDx Variant Classification Process June 2021. Collection method: clinical testing. Allele origin: germline. Affected: yes.
Comment: Not observed at significant frequency in large population cohorts (gnomAD); In silico analysis supports that this missense variant has a deleterious effect on protein structure/function; Has not been previously published as pathogenic or benign to our knowledge

NM_000153.4(GALC):c.500A>T (p.Asn167Ile)

Gene: GALC (galactosylceramidase; minus strand). Cytogenetic location: 14q31.3.
Variant type: single nucleotide variant.
Coding change: c.500A>T on transcript NM_000153.4 (MANE Select); coding-DNA position 500, A replaced by T.
Protein change: p.Asn167Ile; replaces asparagine 167 with isoleucine.
Molecular consequence: missense variant. On other transcripts: 5 prime UTR variant (2), non-coding transcript variant (1).
Genome position (GRCh38, 1-based): chr14:87,984,476, T>A on the plus strand (A>T on the coding strand, the complement: GALC is on the minus strand). VCF-style: chr14-87984476-T-A. GRCh37 (hg19) VCF-style: chr14-88450820-T-A.
Other names: c.431A>T, p.Asn144Ile (NM_001201401.2); c.422A>T, p.Asn141Ile (NM_001201402.2); c.332A>T, p.Asn111Ile (NM_001424071.1, NM_001424072.1, NM_001424073.1); c.152A>T, p.Asn51Ile (NM_001424074.1, NM_001424075.1); c.-168A>T (NM_001424076.1, NM_001424077.1); short protein forms N111I, N141I, N144I, N167I, N51I.
Identifiers: ClinVar variation 3392724 (VCV003392724.1).